The following is an entry in ClinVar:

NM_006269.2(RP1):c.4748T>C (p.Ile1583Thr)

Gene: RP1 (RP1 axonemal microtubule associated; plus strand). Cytogenetic location: 8q12.1.
Variant type: single nucleotide variant.
Coding change: c.4748T>C on transcript NM_006269.2 (MANE Select); coding-DNA position 4748, T replaced by C.
Protein change: p.Ile1583Thr; replaces isoleucine 1583 with threonine.
Molecular consequence: missense variant. On other transcripts: intron variant (1).
Genome position (GRCh38, 1-based): chr8:54,628,630, T>C. VCF-style: chr8-54628630-T-C. GRCh37 (hg19) VCF-style: chr8-55541190-T-C.
Other names: c.787+6342T>C (NM_001375654.1); short protein forms I1583T.
Identifiers: ClinVar variation 3729388 (VCV003729388.2).

ClinVar aggregate classification (germline): Uncertain significance (1 of 4 stars; one submission).

gnomAD v4.1: 2 of 1,613,900 alleles (0.00012%); no homozygotes.

Submission:

Labcorp Genetics (formerly Invitae), Labcorp
Classification: Uncertain significance. Last evaluated: 2025-09-03. Review status: criteria provided, single submitter. Criteria: Invitae Variant Classification Sherloc (09022015). Collection method: clinical testing. Allele origin: germline.
Comment: This sequence change replaces isoleucine, which is neutral and non-polar, with threonine, which is neutral and polar, at codon 1583 of the RP1 protein (p.Ile1583Thr). This variant is not present in population databases (gnomAD no frequency). This variant has not been reported in the literature in individuals affected with RP1-related conditions. ClinVar contains an entry for this variant (Variation ID: 3729388). An algorithm developed to predict the effect of missense changes on protein structure and function (PolyPhen-2) suggests that this variant is likely to be tolerated. In summary, the available evidence is currently insufficient to determine the role of this variant in disease. Therefore, it has been classified as a Variant of Uncertain Significance.